The following is an entry in ClinVar:

NM_020442.6(VARS2):c.1166-83_1166-67dup

Gene: VARS2 (valyl-tRNA synthetase 2, mitochondrial; plus strand). Cytogenetic location: 6p21.33.
Variant type: Microsatellite.
Coding change: c.1166-83_1166-67dup on transcript NM_020442.6 (MANE Select); 83 bases into the intron before coding-DNA position 1166 through 67 bases into the intron before coding-DNA position 1166, 17 bases duplicated (GGGCGGTGCAGGTGATG).
Molecular consequence: intron variant.
Genome position (GRCh38, 1-based): chr6:30,920,006-30,920,022, GGGCGGTGCAGGTGATG duplicated; duplicating any 17 consecutive bases within chr6:30,920,004-30,920,022 gives the same sequence; the c. name uses the placement nearest the transcript's 3' end. VCF-style (leftmost placement, unchanged base first): chr6-30920003-C-CTGGGGCGGTGCAGGTGA. GRCh37 (hg19) VCF-style: chr6-30887780-C-CTGGGGCGGTGCAGGTGA.
Other names: c.1256-83_1256-67dup (NM_001167734.2); c.746-83_746-67dup (NM_001167733.3); c.1256-86_1256-85insTGGGGCGGTGCAGGTGA (NM_001167734.1).
Identifiers: ClinVar variation 676450 (VCV000676450.1), dbSNP rs9281078, ClinGen allele CA136808133.

ClinVar aggregate classification (germline): Benign (1 of 4 stars; one submission).

Submission:

GeneDx
Classification: Benign. Last evaluated: 2018-06-14. Review status: criteria provided, single submitter. Criteria: GeneDx Variant Classification (06012015). Collection method: clinical testing. Allele origin: germline. Affected: yes.
Comment: This variant is considered likely benign or benign based on one or more of the following criteria: it is a conservative change, it occurs at a poorly conserved position in the protein, it is predicted to be benign by multiple in silico algorithms, and/or has population frequency not consistent with disease.